The following is an entry in ClinVar:

ClinVar aggregate classification (germline): Uncertain significance (1 of 4 stars; one submission).

Allele frequency attached by ClinVar (database versions not stated): gnomAD exomes below 0.00001 and 0.00001; ExAC 0.00001; gnomAD 0.00002; TOPMed 0.00002; 1000 Genomes Project 30x 0.00021; 1000 Genomes Project 0.00026.

Submission:

GeneDx
Classification: Uncertain significance. Last evaluated: 2016-10-14. Review status: criteria provided, single submitter. Criteria: GeneDx Variant Classification (06012015). Collection method: clinical testing. Allele origin: germline. Affected: yes.
Comment: A variant of uncertain significance has been identified in the AGTR2 gene. The W100R variant has not been published as a pathogenic variant, nor has it been reported as a benign variant to our knowledge. It was not observed with any significant frequency in approximately 6,500 individuals of European and African American ancestry in the NHLBI Exome Sequencing Project or in the various populations of the 1000 Genomes Project. The W100R variant is a non-conservative amino acid substitution, which is likely to impact secondary protein structure as these residues differ in polarity, charge, size and/or other properties. In silico analysis predicts this variant is probably damaging to the protein structure/function. Additionally, this substitution occurs at a position that is conserved in mammals; however, Arginine is observed at this position in evolution. Based on the currently available information, it is unclear whether the W100R variant is a pathogenic variant or a rare benign variant.

NM_000686.5(AGTR2):c.298T>C (p.Trp100Arg)

Gene: AGTR2 (angiotensin II receptor type 2; plus strand). Cytogenetic location: Xq23.
Variant type: single nucleotide variant.
Coding change: c.298T>C on transcript NM_000686.5 (MANE Select); coding-DNA position 298, T replaced by C.
Protein change: p.Trp100Arg; replaces tryptophan 100 with arginine.
Molecular consequence: missense variant.
Genome position (GRCh38, 1-based): chrX:116,172,578, T>C. VCF-style: chrX-116172578-T-C. GRCh37 (hg19) VCF-style: chrX-115303831-T-C.
Other names: short protein forms W100R.
Identifiers: ClinVar variation 389981 (VCV000389981.2), dbSNP rs184954669, ClinGen allele CA10497252.
Genomic context (GRCh38, chrX:116,172,578, plus strand): 5'-AGCATATACATCTTCAACCTCGCTGTGGCTGATTTACTCCTTTTGGCTACTCTTCCTCTA[T>C]GGGCAACCTATTATTCTTATAGATATGACTGGCTCTTTGGACCTGTGATGTGCAAAGTTT-3'
Protein context (NP_000677.2, residues 90-110): DLLLLATLPL[Trp100Arg]ATYYSYRYDW